The following is an entry in ClinVar:

ClinVar aggregate classification (germline): Uncertain significance. Review status: criteria provided, multiple submitters, no conflicts (2 of 4 stars). 8 submissions from 8 submitters: Uncertain significance (8). Last evaluated 2026-01-25.

Conditions:
Aortic aneurysm, familial thoracic 4 (AAT4). Also called: AORTIC ANEURYSM/AORTIC DISSECTION AND PATENT DUCTUS ARTERIOSUS. Identifiers: MedGen C1851504, MONDO:0007568, OMIM 132900.
Visceral myopathy 2. Identifiers: MedGen C5543466, MONDO:0859157, OMIM 619350.
Megacystis-microcolon-intestinal hypoperistalsis syndrome 2. Identifiers: MedGen C5543476, MONDO:0025708, OMIM 619351.
Connective tissue disorder. Also called: Connective tissue disease. Identifiers: MedGen C0009782, MONDO:0003900.
Familial thoracic aortic aneurysm and aortic dissection (TAAD). Also called: Thoracic aortic aneurysms and dissections. Identifiers: Orphanet 91387, MedGen C4707243, MONDO:0019625.

Allele frequency attached by ClinVar (database versions not stated): gnomAD exomes 0.00004 and 0.00016; gnomAD 0.00005 and 0.00006; ExAC 0.00007; TOPMed 0.00007; ESP Exome Variant Server 0.00008.
gnomAD v4.1: 240 of 1,613,634 alleles (0.015%); highest among the groups gnomAD compares: Non-Finnish European, 0.019%; 1 homozygote.

Submissions (8):

Labcorp Genetics (formerly Invitae), Labcorp
Classification: Uncertain significance for Aortic aneurysm, familial thoracic 4. Last evaluated: 2026-01-25. Review status: criteria provided, single submitter. Criteria: Invitae Variant Classification Sherloc (09022015). Collection method: clinical testing. Allele origin: germline.
Comment: This sequence change replaces leucine, which is neutral and non-polar, with valine, which is neutral and non-polar, at codon 1011 of the MYH11 protein (p.Leu1011Val). This variant is present in population databases (rs373358736, gnomAD 0.009%). This variant has not been reported in the literature in individuals affected with MYH11-related conditions. ClinVar contains an entry for this variant (Variation ID: 547542). Invitae Evidence Modeling of protein sequence and biophysical properties (such as structural, functional, and spatial information, amino acid conservation, physicochemical variation, residue mobility, and thermodynamic stability) indicates that this missense variant is not expected to disrupt MYH11 protein function with a negative predictive value of 95%. In summary, the available evidence is currently insufficient to determine the role of this variant in disease. Therefore, it has been classified as a Variant of Uncertain Significance.

Color Diagnostics, LLC DBA Color Health
Classification: Uncertain significance for Familial thoracic aortic aneurysm and aortic dissection. Last evaluated: 2025-12-19. Review status: criteria provided, single submitter. Criteria: ACMG Guidelines, 2015. Collection method: clinical testing. Allele origin: germline.
Comment: This missense variant replaces leucine with valine at codon 1011 of the MYH11 protein. Computational prediction is inconclusive regarding the impact of this variant on protein structure and function. To our knowledge, functional studies have not been reported for this variant. This variant has not been reported in individuals affected with MYH11-related disorders in the literature. This variant has been identified in 240/1613634 chromosomes in the general population by the Genome Aggregation Database (gnomAD). The available evidence is insufficient to determine the role of this variant in disease conclusively. Therefore, this variant is classified as a Variant of Uncertain Significance.

Ambry Genetics
Classification: Uncertain significance for Familial thoracic aortic aneurysm and aortic dissection. Last evaluated: 2024-12-02. Review status: criteria provided, single submitter. Criteria: Ambry Variant Classification Scheme 2023. Collection method: clinical testing. Allele origin: germline.
Comment: The p.L1004V variant (also known as c.3010C>G), located in coding exon 23 of the MYH11 gene, results from a C to G substitution at nucleotide position 3010. The leucine at codon 1004 is replaced by valine, an amino acid with highly similar properties. This amino acid position is well conserved in available vertebrate species. In addition, the in silico prediction for this alteration is inconclusive. Based on the available evidence, the clinical significance of this variant remains unclear.

GeneDx
Classification: Uncertain significance. Last evaluated: 2024-03-19. Review status: criteria provided, single submitter. Criteria: GeneDx Variant Classification Process June 2021. Collection method: clinical testing. Allele origin: germline. Affected: yes.
Comment: In silico analysis indicates that this missense variant does not alter protein structure/function; Has not been previously published as pathogenic or benign to our knowledge

Victorian Clinical Genetics Services, Murdoch Childrens Research Institute
Classification: Uncertain significance for Aortic aneurysm, familial thoracic 4. Last evaluated: 2022-02-02. Review status: criteria provided, single submitter. Criteria: ACMG Guidelines, 2015. Collection method: clinical testing. Allele origin: germline. Inheritance: Autosomal dominant inheritance. Affected: yes.
Comment: Based on the classification scheme VCGS_Germline_v1.3.4, this variant is classified as VUS-3B. Following criteria are met: 0102 - Loss of function is a known mechanism of disease in this gene and is associated with megacystis-microcolon-intestinal hypoperistalsis syndrome 2 (MMIHS; MIM#619351). The disease mechanism for chronic intestinal pseudo-obstruction (CIPO), also known as visceral myopathy 2 (MIM#619350), and aortic aneurysm, familial thoracic 4 (AAFT; MIM#132900) is unclear, however loss of function and dominant negative have been suggested, respectively (PMID: 31944481). (I) 0108 - This gene is associated with both recessive and dominant disease. MMIHS is an autosomal recessive form of disease caused by both missense variants and those resulting in a premature termination codon. AAFT is autosomal dominant and has been reported in patients with splice, missense and inframe deletion variants. CIPO is autosomal dominant and has only been reported in patients with protein elongation variants exclusive to isoform SM2 (PMIDs: 31389005, 31944481). (I) 0200 - Variant is predicted to result in a missense amino acid change from leucine to valine. (I) 0251 - This variant is heterozygous. (I) 0302 - Variant is present in gnomAD (v2) <0.001 for a dominant condition (11 heterozygotes, 0 homozygotes). (SP) 0502 - Missense variant with conflicting in silico predictions and uninformative conservation. (I) 0600 - Variant is located in the annotated myosin tail (NCBI, DECIPHER). (I) 0705 - No comparable missense variants have previous evidence for pathogenicity. (I) 0809 - Previous evidence of pathogenicity for this variant is inconclusive. It has been reported as a VUS (ClinVar). (I) 0905 - No published segregation evidence has been identified for this variant. (I) 1007 - No published functional evidence has been identified for this variant. (I) 1208 - Inheritance information for this variant is not currently available in this individual. (I) Legend: (SP) - Supporting pathogenic, (I) - Information, (SB) - Supporting benign

Blueprint Genetics
Classification: Uncertain significance. Last evaluated: 2022-02-01. Review status: criteria provided, single submitter. Criteria: ACMG Guidelines, 2015. Collection method: clinical testing. Allele origin: germline.

Fulgent Genetics
Classification: Uncertain significance for Aortic aneurysm, familial thoracic 4; Visceral myopathy 2; Megacystis-microcolon-intestinal hypoperistalsis syndrome 2. Last evaluated: 2021-09-16. Review status: criteria provided, single submitter. Criteria: ACMG Guidelines, 2015. Collection method: clinical testing. Allele origin: unknown.

Center for Human Genetics, Inc
Classification: Uncertain significance for Connective tissue disorder. Last evaluated: 2016-11-01. Review status: criteria provided, single submitter. Criteria: ACMG Guidelines, 2015. Collection method: clinical testing. Allele origin: germline. Affected: yes.

Literature cited by the submitters: PubMed 31389005 (cited by Victorian Clinical Genetics Services, Murdoch Childrens Research Institute); PubMed 31944481 (cited by Victorian Clinical Genetics Services, Murdoch Childrens Research Institute).

NM_002474.3(MYH11):c.3010C>G (p.Leu1004Val)

Gene: MYH11 (myosin heavy chain 11; minus strand). Cytogenetic location: 16p13.11.
Variant type: single nucleotide variant.
Coding change: c.3010C>G on transcript NM_002474.3 (MANE Select); coding-DNA position 3010, C replaced by G.
Protein change: p.Leu1004Val; replaces leucine 1004 with valine.
Molecular consequence: missense variant.
Genome position (GRCh38, 1-based): chr16:15,738,676, G>C on the plus strand (C>G on the coding strand, the complement: MYH11 is on the minus strand). VCF-style: chr16-15738676-G-C. GRCh37 (hg19) VCF-style: chr16-15832533-G-C.
Other names: c.3031C>G, p.Leu1011Val (NM_001040113.2, NM_001040114.2); c.3010C>G, p.Leu1004Val (NM_022844.3); short protein forms L1004V, L1011V.
Identifiers: ClinVar variation 547542 (VCV000547542.20), dbSNP rs373358736, ClinGen allele CA7922108.
Genomic context (GRCh38, chr16:15,738,676, plus strand): 5'-TCTTGGCCTTTTCTTCCTCTTCTGCAAGATTTGTCGTTAAGTCACTAATCCTCTCCTCAA[G>C]GAGTTTTCGTTCCTTTTTGGGGAAAGAGAAAGAGATAGCTTTAGGATTTTTCTTTTCTCT-3'
Protein context (NP_002465.1, residues 994-1014): NNKLSKERKL[Leu1004Val]EERISDLTTN